The following is an entry in ClinVar:

NM_006642.5(SDCCAG8):c.76A>G (p.Ser26Gly)

Gene: SDCCAG8 (SHH signaling and ciliogenesis regulator SDCCAG8; plus strand). Cytogenetic location: 1q43.
Variant type: single nucleotide variant.
Coding change: c.76A>G on transcript NM_006642.5 (MANE Select); coding-DNA position 76, A replaced by G.
Protein change: p.Ser26Gly; replaces serine 26 with glycine.
Molecular consequence: missense variant. On other transcripts: 5 prime UTR variant (4).
Genome position (GRCh38, 1-based): chr1:243,270,113, A>G. VCF-style: chr1-243270113-A-G. GRCh37 (hg19) VCF-style: chr1-243433415-A-G.
Other names: c.-1037A>G (NM_001350246.2); c.-925A>G (NM_001350247.2); c.76A>G, p.Ser26Gly (NM_001350248.2); c.-219A>G (NM_001350249.2); c.-1298A>G (NM_001350251.2); short protein forms S26G.
Identifiers: ClinVar variation 971501 (VCV000971501.10), dbSNP rs1179385721, ClinGen allele CA345473666.

ClinVar aggregate classification (germline): Uncertain significance. Review status: criteria provided, multiple submitters, no conflicts (2 of 4 stars). 2 submissions from 2 submitters: Uncertain significance (2). Last evaluated 2024-11-07.

Conditions:
Bardet-Biedl syndrome 16 (BBS16). Identifiers: Orphanet 110, MedGen C3889474, MONDO:0014444, OMIM 615993.
Senior-Loken syndrome 7 (SLSN7). Identifiers: Orphanet 3156, MedGen C3150877, MONDO:0013326, OMIM 613615.
SDCCAG8-related disorder. Also called: SDCCAG8-Related Disorders; SDCCAG8-related condition.

Allele frequency attached by ClinVar (database versions not stated): gnomAD exomes below 0.00001; TOPMed below 0.00001.

Submissions (2):

PreventionGenetics, part of Exact Sciences
Classification: Uncertain significance for SDCCAG8-related condition. Last evaluated: 2024-11-07. Review status: criteria provided, single submitter. Criteria: ACMG Guidelines, 2015. Collection method: clinical testing. Allele origin: germline.
Comment: The SDCCAG8 c.76A>G variant is predicted to result in the amino acid substitution p.Ser26Gly. To our knowledge, this variant has not been reported in the literature. This variant is reported in 0.0029% of alleles in individuals of Latino descent in gnomAD. At this time, the clinical significance of this variant is uncertain due to the absence of conclusive functional and genetic evidence.

Labcorp Genetics (formerly Invitae), Labcorp
Classification: Uncertain significance for Bardet-Biedl syndrome 16; Senior-Loken syndrome 7. Last evaluated: 2024-10-25. Review status: criteria provided, single submitter. Criteria: Invitae Variant Classification Sherloc (09022015). Collection method: clinical testing. Allele origin: germline.
Comment: This sequence change replaces serine, which is neutral and polar, with glycine, which is neutral and non-polar, at codon 26 of the SDCCAG8 protein (p.Ser26Gly). This variant is present in population databases (no rsID available, gnomAD 0.003%). This variant has not been reported in the literature in individuals affected with SDCCAG8-related conditions. ClinVar contains an entry for this variant (Variation ID: 971501). An algorithm developed to predict the effect of missense changes on protein structure and function (PolyPhen-2) suggests that this variant is likely to be tolerated. In summary, the available evidence is currently insufficient to determine the role of this variant in disease. Therefore, it has been classified as a Variant of Uncertain Significance.